The following is an entry in ClinVar:

NM_000441.2(SLC26A4):c.1751C>T (p.Ala584Val)

Gene: SLC26A4 (solute carrier family 26 member 4; plus strand). Cytogenetic location: 7q22.3.
Variant type: single nucleotide variant.
Coding change: c.1751C>T on transcript NM_000441.2 (MANE Select); coding-DNA position 1751, C replaced by T.
Protein change: p.Ala584Val; replaces alanine 584 with valine.
Molecular consequence: missense variant.
Genome position (GRCh38, 1-based): chr7:107,701,144, C>T. VCF-style: chr7-107701144-C-T. GRCh37 (hg19) VCF-style: chr7-107341589-C-T.
Other names: short protein forms A584V.
Identifiers: ClinVar variation 1334337 (VCV001334337.4), dbSNP rs749479853, ClinGen allele CA4432940.
Genomic context (GRCh38, chr7:107,701,144, plus strand): 5'-GACATTTATTTCCAAAGGTTGGATTTGATGCCATTAGAGTATATAATAAGAGGCTGAAAG[C>T]GCTGAGGAAAATACAGAAACTAATAAAAAGTGGACAATTAAGAGCAACAAAGGTGAGATG-3'
Protein context (NP_000432.1, residues 574-594): AIRVYNKRLK[Ala584Val]LRKIQKLIKS

ClinVar aggregate classification (germline): Uncertain significance. Review status: criteria provided, multiple submitters, no conflicts (2 of 4 stars). 3 submissions from 3 submitters: Uncertain significance (3). Last evaluated 2024-08-13.

Allele frequency attached by ClinVar (database versions not stated): ExAC 0.00001; gnomAD 0.00002 and 0.00003; gnomAD exomes 0.00002.
gnomAD v4.1: 24 of 1,610,916 alleles (0.0015%); highest among the groups gnomAD compares: South Asian, 0.0099%; no homozygotes.

Submissions (3):

Blueprint Genetics
Classification: Uncertain significance. Last evaluated: 2024-08-13. Review status: criteria provided, single submitter. Criteria: ACMG Guidelines, 2015. Collection method: clinical testing. Allele origin: germline.

Labcorp Genetics (formerly Invitae), Labcorp
Classification: Uncertain significance. Last evaluated: 2022-05-06. Review status: criteria provided, single submitter. Criteria: Invitae Variant Classification Sherloc (09022015). Collection method: clinical testing. Allele origin: germline.
Comment: This sequence change replaces alanine, which is neutral and non-polar, with valine, which is neutral and non-polar, at codon 584 of the SLC26A4 protein (p.Ala584Val). This variant is present in population databases (rs749479853, gnomAD 0.006%). This variant has not been reported in the literature in individuals affected with SLC26A4-related conditions. ClinVar contains an entry for this variant (Variation ID: 1334337). Algorithms developed to predict the effect of missense changes on protein structure and function (SIFT, PolyPhen-2, Align-GVGD) all suggest that this variant is likely to be disruptive. In summary, the available evidence is currently insufficient to determine the role of this variant in disease. Therefore, it has been classified as a Variant of Uncertain Significance.

GeneDx
Classification: Uncertain significance. Last evaluated: 2022-01-11. Review status: criteria provided, single submitter. Criteria: GeneDx Variant Classification Process June 2021. Collection method: clinical testing. Allele origin: germline. Affected: yes.
Comment: Not observed at significant frequency in large population cohorts (gnomAD); In silico analysis supports that this missense variant has a deleterious effect on protein structure/function; Has not been previously published as pathogenic or benign to our knowledge